The following is an entry in ClinVar:

ClinVar aggregate classification (germline): Uncertain significance (1 of 4 stars; one submission).

Submission:

GeneDx
Classification: Uncertain significance. Last evaluated: 2019-05-03. Review status: criteria provided, single submitter. Criteria: GeneDx Variant Classification Process June 2021. Collection method: clinical testing. Allele origin: germline. Affected: yes.
Comment: Has not been previously published as pathogenic or benign to our knowledge; Not observed in large population cohorts (Lek et al., 2016); In-silico analysis, which includes splice predictors and evolutionary conservation, is inconclusive as to whether the variant alters gene splicing. In the absence of RNA/functional studies, the actual effect of this sequence change is unknown.

NM_001365276.2(TNXB):c.3148+3A>C

Gene: TNXB (tenascin XB; minus strand). Cytogenetic location: 6p21.33.
Variant type: single nucleotide variant.
Coding change: c.3148+3A>C on transcript NM_001365276.2 (MANE Select); 3 bases into the intron after coding-DNA position 3148, A replaced by C.
Molecular consequence: intron variant.
Genome position (GRCh38, 1-based): chr6:32,085,747, T>G on the plus strand (A>C on the coding strand, the complement: TNXB is on the minus strand). VCF-style: chr6-32085747-T-G. GRCh37 (hg19) VCF-style: chr6-32053524-T-G.
Other names: c.3148+3A>C (NM_019105.8).
Identifiers: ClinVar variation 1305589 (VCV001305589.2), dbSNP rs2127264494, ClinGen allele CA2573052672.